The following is an entry in ClinVar:

ClinVar aggregate classification (germline): Pathogenic. Review status: reviewed by expert panel (3 of 4 stars). 2 submissions from 2 submitters: Pathogenic (1). 1 of the submissions does not count toward it. Last evaluated 2016-10-18.

Conditions:
Breast-ovarian cancer, familial, susceptibility to, 2 (BROVCA2). Also called: BRCA2 Hereditary Breast and Ovarian Cancer. Identifiers: Orphanet 145, MedGen C2675520, MONDO:0012933, OMIM 612555. Disease mechanism: loss of function.

Submissions (2):

Evidence-based Network for the Interpretation of Germline Mutant Alleles (ENIGMA)
Classification: Pathogenic for Breast-ovarian cancer, familial, susceptibility to, 2. Last evaluated: 2016-10-18. Review status: reviewed by expert panel. Criteria: ENIGMA BRCA1/2 Classification Criteria (2015). Collection method: curation. Allele origin: germline.
Comment: Variant allele predicted to encode a truncated non-functional protein.

Consortium of Investigators of Modifiers of BRCA1/2 (CIMBA), c/o University of Cambridge
Classification: Pathogenic for Breast-ovarian cancer, familial, susceptibility to, 2. Last evaluated: 2015-10-02. Review status: criteria provided, single submitter. Criteria: CIMBA Mutation Classification guidelines May 2016. Collection method: clinical testing. Allele origin: germline. Not counted in ClinVar's aggregate classification.

NM_000059.4(BRCA2):c.8207del (p.Leu2736fs)

Gene: BRCA2 (BRCA2 DNA repair associated; plus strand). Cytogenetic location: 13q13.1.
Variant type: Deletion.
Coding change: c.8207del on transcript NM_000059.4 (MANE Select); coding-DNA position 8207, one base deleted (T; older notation c.8207delT).
Protein change: p.Leu2736fs; shifts the reading frame from leucine 2736.
Molecular consequence: frameshift variant.
Genome position (GRCh38, 1-based): chr13:32,363,409, T deleted. VCF-style (leftmost placement, unchanged base first): chr13-32363408-CT-C. GRCh37 (hg19) VCF-style: chr13-32937545-CT-C.
Other names: 8435delT; c.8207delT (NM_000059.3).
Identifiers: ClinVar variation 52528 (VCV000052528.7), dbSNP rs397507969, ClinGen allele CA025515.
Genomic context (GRCh38, chr13:32,363,408, plus strand): 5'-GTGGCCATTATTGAACTTACAGATGGGTGGTATGCTGTTAAGGCCCAGTTAGATCCTCCC[CT>C]CTTAGCTGTCTTAAAGAATGGCAGACTGACAGTTGGTCAGAAGATTATTCTTCATGGAGC-3'